The following is an entry in ClinVar:

ClinVar aggregate classification (germline): Uncertain significance (1 of 4 stars; one submission).

Allele frequency attached by ClinVar (database versions not stated): gnomAD exomes 0.00001; ExAC 0.00002.
gnomAD v4.1: 2 of 1,571,564 alleles (0.00013%); highest among the groups gnomAD compares: Non-Finnish European, 0.00017%; no homozygotes.

Submission:

Labcorp Genetics (formerly Invitae), Labcorp
Classification: Uncertain significance. Last evaluated: 2021-10-29. Review status: criteria provided, single submitter. Criteria: Invitae Variant Classification Sherloc (09022015). Collection method: clinical testing. Allele origin: germline.
Comment: This sequence change replaces aspartic acid, which is acidic and polar, with histidine, which is basic and polar, at codon 451 of the FSCN2 protein (p.Asp451His). In summary, the available evidence is currently insufficient to determine the role of this variant in disease. Therefore, it has been classified as a Variant of Uncertain Significance. Algorithms developed to predict the effect of missense changes on protein structure and function are either unavailable or do not agree on the potential impact of this missense change (SIFT: "Deleterious"; PolyPhen-2: "Possibly Damaging"; Align-GVGD: "Class C0"). This variant has not been reported in the literature in individuals affected with FSCN2-related conditions. This variant is present in population databases (rs775018715, gnomAD 0.001%).

NM_012418.4(FSCN2):c.1279G>C (p.Asp427His)

Gene: FSCN2 (fascin actin-bundling protein 2, retinal; plus strand). Cytogenetic location: 17q25.3.
Variant type: single nucleotide variant.
Coding change: c.1279G>C on transcript NM_012418.4 (MANE Select); coding-DNA position 1279, G replaced by C.
Protein change: p.Asp427His; replaces aspartic acid 427 with histidine.
Molecular consequence: missense variant.
Genome position (GRCh38, 1-based): chr17:81,536,880, G>C. VCF-style: chr17-81536880-G-C. GRCh37 (hg19) VCF-style: chr17-79503906-G-C.
Other names: c.1351G>C, p.Asp451His (NM_001077182.3); short protein forms D427H, D451H.
Identifiers: ClinVar variation 1495207 (VCV001495207.6), dbSNP rs775018715, ClinGen allele CA8837094.